The following is an entry in ClinVar:

NM_017950.4(CCDC40):c.2842G>A (p.Gly948Arg)

Gene: CCDC40 (coiled-coil domain 40 molecular ruler complex subunit; plus strand). Cytogenetic location: 17q25.3.
Variant type: single nucleotide variant.
Coding change: c.2842G>A on transcript NM_017950.4 (MANE Select); coding-DNA position 2842, G replaced by A.
Protein change: p.Gly948Arg; replaces glycine 948 with arginine.
Molecular consequence: missense variant.
Genome position (GRCh38, 1-based): chr17:80,095,272, G>A. VCF-style: chr17-80095272-G-A. GRCh37 (hg19) VCF-style: chr17-78069071-G-A.
Other names: c.2842G>A (NM_017950.3); short protein forms G948R.
Identifiers: ClinVar variation 2037176 (VCV002037176.5), dbSNP rs540350416, ClinGen allele CA8814529.
Genomic context (GRCh38, chr17:80,095,272, plus strand): 5'-AGCTGCAGCTCAGGCCTGCCCCAGCCCCAGCCCCTCTGTCCTGTCTCCCAGGTCAGGCTC[G>A]GGCAGCTGCTGAAGCAGCAGGAGAAGATGATCCGTGCCATGGAGTTGGCGGTTGCCCGCA-3'
Protein context (NP_060420.2, residues 938-958): GEIHRMKVRL[Gly948Arg]QLLKQQEKMI

ClinVar aggregate classification (germline): Uncertain significance. Review status: criteria provided, multiple submitters, no conflicts (2 of 4 stars). 2 submissions from 2 submitters: Uncertain significance (2). Last evaluated 2025-08-24.

Conditions:
Primary ciliary dyskinesia. Also called: Ciliary dyskinesia. Identifiers: Orphanet 244, MedGen C0008780, MONDO:0016575, HP:0012265.

Allele frequency attached by ClinVar (database versions not stated): ExAC 0.00003; gnomAD 0.00005; TOPMed 0.00006; 1000 Genomes Project 0.00020; 1000 Genomes Project 30x 0.00031.
gnomAD v4.1: 28 of 1,613,850 alleles (0.0017%); highest among the groups gnomAD compares: African/African-American, 0.021%; no homozygotes.

Submissions (2):

Ambry Genetics
Classification: Uncertain significance for Primary ciliary dyskinesia. Last evaluated: 2025-08-24. Review status: criteria provided, single submitter. Criteria: Ambry Variant Classification Scheme 2023. Collection method: clinical testing. Allele origin: germline.

Labcorp Genetics (formerly Invitae), Labcorp
Classification: Uncertain significance for Primary ciliary dyskinesia. Last evaluated: 2024-04-15. Review status: criteria provided, single submitter. Criteria: Invitae Variant Classification Sherloc (09022015). Collection method: clinical testing. Allele origin: germline.
Comment: This sequence change replaces glycine, which is neutral and non-polar, with arginine, which is basic and polar, at codon 948 of the CCDC40 protein (p.Gly948Arg). This variant is present in population databases (rs540350416, gnomAD 0.02%). This variant has not been reported in the literature in individuals affected with CCDC40-related conditions. ClinVar contains an entry for this variant (Variation ID: 2037176). Advanced modeling of protein sequence and biophysical properties (such as structural, functional, and spatial information, amino acid conservation, physicochemical variation, residue mobility, and thermodynamic stability) has been performed at Invitae for this missense variant, however the output from this modeling did not meet the statistical confidence thresholds required to predict the impact of this variant on CCDC40 protein function. In summary, the available evidence is currently insufficient to determine the role of this variant in disease. Therefore, it has been classified as a Variant of Uncertain Significance.